The following is an entry in ClinVar:

NM_000069.3(CACNA1S):c.3569T>C (p.Val1190Ala)

Gene: CACNA1S (calcium voltage-gated channel subunit alpha1 S; minus strand). Cytogenetic location: 1q32.1.
Variant type: single nucleotide variant.
Coding change: c.3569T>C on transcript NM_000069.3 (MANE Select); coding-DNA position 3569, T replaced by C.
Protein change: p.Val1190Ala; replaces valine 1190 with alanine.
Molecular consequence: missense variant.
Genome position (GRCh38, 1-based): chr1:201,058,448, A>G on the plus strand (T>C on the coding strand, the complement: CACNA1S is on the minus strand). VCF-style: chr1-201058448-A-G. GRCh37 (hg19) VCF-style: chr1-201027576-A-G.
Other names: short protein forms V1190A.
Identifiers: ClinVar variation 4086699 (VCV004086699.1).

ClinVar aggregate classification (germline): Uncertain significance (1 of 4 stars; one submission).

gnomAD v4.1: 19 of 1,614,212 alleles (0.0012%); highest among the groups gnomAD compares: Non-Finnish European, 0.0016%; no homozygotes.

Submission:

GeneDx
Classification: Uncertain significance. Last evaluated: 2025-03-17. Review status: criteria provided, single submitter. Criteria: GeneDx Variant Classification Process June 2021. Collection method: clinical testing. Allele origin: germline. Affected: yes.
Comment: Not observed at significant frequency in large population cohorts (gnomAD); In silico analysis supports that this missense variant has a deleterious effect on protein structure/function; Has not been previously published as pathogenic or benign to our knowledge